The following is an entry in ClinVar:

ClinVar aggregate classification (germline): Likely benign (0 of 4 stars; one submission).

Conditions:
SHANK1-related disorder. Also called: SHANK1-related condition.

Allele frequency attached by ClinVar (database versions not stated): gnomAD exomes 0.00001; TOPMed 0.00010; gnomAD 0.00012; ESP Exome Variant Server 0.00015.
gnomAD v4.1: 27 of 1,613,838 alleles (0.0017%); highest among the groups gnomAD compares: African/African-American, 0.036%; no homozygotes.

Submission:

PreventionGenetics, part of Exact Sciences
Classification: Likely benign for SHANK1-related condition. Last evaluated: 2019-07-10. Review status: no assertion criteria provided. Collection method: clinical testing. Allele origin: germline.
Comment: This variant is classified as likely benign based on ACMG/AMP sequence variant interpretation guidelines (Richards et al. 2015 PMID: 25741868, with internal and published modifications).

NM_016148.5(SHANK1):c.705G>C (p.Leu235=)

Gene: SHANK1 (SH3 and multiple ankyrin repeat domains 1; minus strand). Cytogenetic location: 19q13.33.
Variant type: single nucleotide variant.
Coding change: c.705G>C on transcript NM_016148.5 (MANE Select); coding-DNA position 705, G replaced by C.
Protein change: p.Leu235=; no amino-acid change (leucine 235 retained).
Molecular consequence: synonymous variant.
Genome position (GRCh38, 1-based): chr19:50,713,885, C>G on the plus strand (G>C on the coding strand, the complement: SHANK1 is on the minus strand). VCF-style: chr19-50713885-C-G. GRCh37 (hg19) VCF-style: chr19-51217142-C-G.
Identifiers: ClinVar variation 3050025 (VCV003050025.2), dbSNP rs374250396, ClinGen allele CA309657597.